The following is an entry in ClinVar:

NM_001099289.3(SH3RF3):c.270C>G (p.His90Gln)

Genes: RANBP2 (RAN binding protein 2; plus strand), SH3RF3 (SH3 domain containing ring finger 3; plus strand), SH3RF3-AS1 (SH3RF3 antisense RNA 1; minus strand). Cytogenetic location: 2q13.
Variant type: single nucleotide variant.
Coding change: c.270C>G on transcript NM_001099289.3 (MANE Select); coding-DNA position 270, C replaced by G.
Protein change: p.His90Gln; replaces histidine 90 with glutamine.
Molecular consequence: missense variant. On other transcripts: non-coding transcript variant (1).
Genome position (GRCh38, 1-based): chr2:109,129,810, C>G. VCF-style: chr2-109129810-C-G. GRCh37 (hg19) VCF-style: chr2-109746266-C-G.
Other names: short protein forms H90Q.
Identifiers: ClinVar variation 3161419 (VCV003161419.1), dbSNP rs565912747, ClinGen allele CA54035566.

ClinVar aggregate classification (germline): Uncertain significance (1 of 4 stars; one submission).

Allele frequency attached by ClinVar (database versions not stated): 1000 Genomes Project 30x 0.00016.
gnomAD v4.1: 19 of 1,538,186 alleles (0.0012%); highest among the groups gnomAD compares: East Asian, 0.044%; no homozygotes.

Submission:

Ambry Genetics
Classification: Uncertain significance. Last evaluated: 2024-01-30. Review status: criteria provided, single submitter. Criteria: Ambry Variant Classification Scheme 2023. Collection method: clinical testing. Allele origin: germline.
Comment: The c.270C>G (p.H90Q) alteration is located in exon (coding exon ) of the SH3RF3 gene. This alteration results from a C to G substitution at nucleotide position 270, causing the histidine (H) at amino acid position 90 to be replaced by a glutamine (Q). Based on insufficient or conflicting evidence, the clinical significance of this alteration remains unclear.